The following is an entry in ClinVar:

NM_007272.3(CTRC):c.628T>C (p.Ser210Pro)

Gene: CTRC (chymotrypsin C; plus strand). Cytogenetic location: 1p36.21.
Variant type: single nucleotide variant.
Coding change: c.628T>C on transcript NM_007272.3 (MANE Select); coding-DNA position 628, T replaced by C.
Protein change: p.Ser210Pro; replaces serine 210 with proline.
Molecular consequence: missense variant.
Genome position (GRCh38, 1-based): chr1:15,444,740, T>C. VCF-style: chr1-15444740-T-C. GRCh37 (hg19) VCF-style: chr1-15771235-T-C.
Other names: short protein forms S210P.
Identifiers: ClinVar variation 654062 (VCV000654062.10), dbSNP rs1570785775, ClinGen allele CA338567553.

ClinVar aggregate classification (germline): Uncertain significance (1 of 4 stars; one submission).

Conditions:
Hereditary pancreatitis (PCTT). Also called: Hereditary chronic pancreatitis; PRSS1-Related Hereditary Pancreatitis. Identifiers: Orphanet 676, MedGen C0238339, MONDO:0008185, OMIM 167800.

Submission:

Labcorp Genetics (formerly Invitae), Labcorp
Classification: Uncertain significance for Hereditary pancreatitis. Last evaluated: 2022-02-25. Review status: criteria provided, single submitter. Criteria: Invitae Variant Classification Sherloc (09022015). Collection method: clinical testing. Allele origin: germline.
Comment: In summary, the available evidence is currently insufficient to determine the role of this variant in disease. Therefore, it has been classified as a Variant of Uncertain Significance. Advanced modeling of protein sequence and biophysical properties (such as structural, functional, and spatial information, amino acid conservation, physicochemical variation, residue mobility, and thermodynamic stability) performed at Invitae indicates that this missense variant is expected to disrupt CTRC protein function. ClinVar contains an entry for this variant (Variation ID: 654062). This variant has not been reported in the literature in individuals affected with CTRC-related conditions. This variant is not present in population databases (gnomAD no frequency). This sequence change replaces serine, which is neutral and polar, with proline, which is neutral and non-polar, at codon 210 of the CTRC protein (p.Ser210Pro).